The following is an entry in ClinVar:

NM_001134363.3(RBM20):c.2806G>T (p.Asp936Tyr)

Gene: RBM20 (RNA binding motif protein 20; plus strand). Cytogenetic location: 10q25.2.
Variant type: single nucleotide variant.
Coding change: c.2806G>T on transcript NM_001134363.3 (MANE Select); coding-DNA position 2806, G replaced by T.
Protein change: p.Asp936Tyr; replaces aspartic acid 936 with tyrosine.
Molecular consequence: missense variant.
Genome position (GRCh38, 1-based): chr10:110,821,425, G>T. VCF-style: chr10-110821425-G-T. GRCh37 (hg19) VCF-style: chr10-112581183-G-T.
Other names: p.Asp936Tyr; short protein forms D936Y.
Identifiers: ClinVar variation 2683126 (VCV002683126.3), dbSNP rs2493493646, ClinGen allele CA378377719.
Genomic context (GRCh38, chr10:110,821,425, plus strand): 5'-GAAGAAGAAGATTTTATCGTGGAACCAGACATCCCAGAGCTGGAAGAAATTGTGCCCATT[G>T]ACCAGAAAGACAAAATTTGCCCAGAAACATGTCTGTGTGTGACAACCACCTTAGACTTAG-3'
Protein context (NP_001127835.2, residues 926-946): IPELEEIVPI[Asp936Tyr]QKDKICPETC

ClinVar aggregate classification (germline): Uncertain significance. Review status: criteria provided, multiple submitters, no conflicts (2 of 4 stars). 2 submissions from 2 submitters: Uncertain significance (2). Last evaluated 2024-10-27.

Conditions:
Dilated cardiomyopathy 1DD (CMD1DD). Identifiers: Orphanet 154, MedGen C2750995, MONDO:0013168, OMIM 613172.

Submissions (2):

Labcorp Genetics (formerly Invitae), Labcorp
Classification: Uncertain significance for Dilated cardiomyopathy 1DD. Last evaluated: 2024-10-27. Review status: criteria provided, single submitter. Criteria: Invitae Variant Classification Sherloc (09022015). Collection method: clinical testing. Allele origin: germline.
Comment: This sequence change replaces aspartic acid, which is acidic and polar, with tyrosine, which is neutral and polar, at codon 936 of the RBM20 protein (p.Asp936Tyr). This variant is not present in population databases (gnomAD no frequency). This variant has not been reported in the literature in individuals affected with RBM20-related conditions. Invitae Evidence Modeling of protein sequence and biophysical properties (such as structural, functional, and spatial information, amino acid conservation, physicochemical variation, residue mobility, and thermodynamic stability) indicates that this missense variant is not expected to disrupt RBM20 protein function with a negative predictive value of 95%. In summary, the available evidence is currently insufficient to determine the role of this variant in disease. Therefore, it has been classified as a Variant of Uncertain Significance.

Mayo Clinic Laboratories, Mayo Clinic
Classification: Uncertain significance. Last evaluated: 2023-06-12. Review status: criteria provided, single submitter. Criteria: ACMG Guidelines, 2015. Collection method: clinical testing. Allele origin: germline. Observed: 1 variant allele.
Comment: BP4, PM2_supporting